The following is an entry in ClinVar:

NM_000173.7(GP1BA):c.1375_1392dup (p.Ile464_Leu465insAlaThrSerProThrIle)

Gene: GP1BA (glycoprotein Ib platelet subunit alpha; plus strand). Cytogenetic location: 17p13.2.
Variant type: Duplication.
Coding change: c.1375_1392dup on transcript NM_000173.7 (MANE Select); coding-DNA positions 1375 to 1392, 18 bases duplicated (GCCACAAGCCCGACCATC).
Protein change: p.Ile464_Leu465insAlaThrSerProThrIle.
Molecular consequence: inframe insertion.
Genome position (GRCh38, 1-based): chr17:4,933,979-4,933,996, GCCACAAGCCCGACCATC duplicated; duplicating any 18 consecutive bases within chr17:4,933,969-4,933,996 gives the same sequence; the c. name uses the placement nearest the transcript's 3' end. VCF-style (leftmost placement, unchanged base first): chr17-4933968-T-TCCCGACCATCGCCACAAG. GRCh37 (hg19) VCF-style: chr17-4837263-T-TCCCGACCATCGCCACAAG.
Identifiers: ClinVar variation 4988024 (VCV004988024.1).

ClinVar aggregate classification (germline): Uncertain significance (1 of 4 stars; one submission).

Conditions:
GP1BA-related disorder. Also called: GP1BA-related condition.

Submission:

PreventionGenetics, part of Exact Sciences
Classification: Uncertain significance for GP1BA-related condition. Last evaluated: 2025-10-10. Review status: criteria provided, single submitter. Criteria: ACMG Guidelines, 2015. Collection method: clinical testing. Allele origin: germline.
Comment: The GP1BA c.1375_1392dup18 variant is predicted to result in an in-frame duplication (p.Ala459_Ile464dup). To our knowledge, this variant has not been reported in the literature. This variant is reported in 0.0054% of alleles in individuals of African descent in gnomAD. At this time, the clinical significance of this variant is uncertain due to the absence of conclusive functional and genetic evidence.